The following is an entry in ClinVar:

NM_001370785.2(LRRC7):c.1898G>C (p.Arg633Pro)

Gene: LRRC7 (leucine rich repeat containing 7; plus strand). Cytogenetic location: 1p31.1.
Variant type: single nucleotide variant.
Coding change: c.1898G>C on transcript NM_001370785.2 (MANE Select); coding-DNA position 1898, G replaced by C.
Protein change: p.Arg633Pro; replaces arginine 633 with proline.
Molecular consequence: missense variant.
Genome position (GRCh38, 1-based): chr1:70,028,274, G>C. VCF-style: chr1-70028274-G-C. GRCh37 (hg19) VCF-style: chr1-70493957-G-C.
Other names: NM_020794.2:c.1784G>C; c.1799G>C, p.Arg600Pro (NM_001330635.3, NM_001366839.3, NM_001366841.1); c.1901G>C, p.Arg634Pro (NM_001350216.3); c.1898G>C, p.Arg633Pro (NM_001366838.3); short protein forms R600P, R633P, R634P.
Identifiers: ClinVar variation 3360994 (VCV003360994.1).

ClinVar aggregate classification (germline): Uncertain significance (1 of 4 stars; one submission).

Submission:

GeneDx
Classification: Uncertain significance. Last evaluated: 2023-07-17. Review status: criteria provided, single submitter. Criteria: GeneDx Variant Classification Process June 2021. Collection method: clinical testing. Allele origin: germline. Affected: yes.
Comment: Not observed at significant frequency in large population cohorts (gnomAD); In silico analysis supports that this missense variant does not alter protein structure/function; Has not been previously published as pathogenic or benign to our knowledge; Variants in candidate genes are classified as variants of uncertain significance in accordance with ACMG guidelines (Richards et al., 2015)